The following is an entry in ClinVar:

NM_003482.4(KMT2D):c.8211C>T (p.Thr2737=)

Gene: KMT2D (lysine methyltransferase 2D; minus strand). Cytogenetic location: 12q13.12.
Variant type: single nucleotide variant.
Coding change: c.8211C>T on transcript NM_003482.4 (MANE Select); coding-DNA position 8211, C replaced by T.
Protein change: p.Thr2737=; no amino-acid change (threonine 2737 retained).
Molecular consequence: synonymous variant.
Genome position (GRCh38, 1-based): chr12:49,039,453, G>A on the plus strand (C>T on the coding strand, the complement: KMT2D is on the minus strand). VCF-style: chr12-49039453-G-A. GRCh37 (hg19) VCF-style: chr12-49433236-G-A.
Identifiers: ClinVar variation 259061 (VCV000259061.32), dbSNP rs370558457, ClinGen allele CA6546897.

ClinVar aggregate classification (germline): Likely benign. Review status: criteria provided, multiple submitters, no conflicts (2 of 4 stars). 4 submissions from 4 submitters: Likely benign (4). Last evaluated 2026-02-01.

Conditions:
Kabuki syndrome. Also called: NIIKAWA-KUROKI SYNDROME; Kabuki make-up syndrome. Identifiers: Orphanet 2322, MedGen C0796004, MONDO:0016512.

Allele frequency attached by ClinVar (database versions not stated): gnomAD 0.00003 and 0.00004; TOPMed 0.00005.
gnomAD v4.1: 49 of 1,601,420 alleles (0.0031%); highest among the groups gnomAD compares: Middle Eastern, 0.12%; no homozygotes.

Submissions (4):

CeGaT Center for Human Genetics Tuebingen
Classification: Likely benign. Last evaluated: 2026-02-01. Review status: criteria provided, single submitter. Criteria: CeGaT Center For Human Genetics Tuebingen Variant Classification Criteria Version 2. Collection method: clinical testing. Allele origin: germline. Affected: yes. Observed: 2 variant alleles.
Comment: KMT2D: BP4, BP7

Labcorp Genetics (formerly Invitae), Labcorp
Classification: Likely benign for Kabuki syndrome. Last evaluated: 2025-10-27. Review status: criteria provided, single submitter. Criteria: Invitae Variant Classification Sherloc (09022015). Collection method: clinical testing. Allele origin: germline.

Blueprint Genetics
Classification: Likely benign. Last evaluated: 2024-11-25. Review status: criteria provided, single submitter. Criteria: ACMG Guidelines, 2015. Collection method: clinical testing. Allele origin: germline.

PreventionGenetics, part of Exact Sciences
Classification: Likely benign. Review status: criteria provided, single submitter. Criteria: ACMG Guidelines, 2015. Collection method: clinical testing. Allele origin: germline.